The following is an entry in ClinVar:

NM_007294.4(BRCA1):c.1105_1106insTC (p.Asp369fs)

Gene: BRCA1 (BRCA1 DNA repair associated; minus strand). Cytogenetic location: 17q21.31.
Variant type: Insertion.
Coding change: c.1105_1106insTC on transcript NM_007294.4 (MANE Select); coding-DNA positions 1105 to 1106, TC inserted.
Protein change: p.Asp369fs; shifts the reading frame from aspartic acid 369.
Molecular consequence: frameshift variant. On other transcripts: intron variant (137).
Genome position: GRCh38 VCF-style: chr17-43094425-T-TGA. GRCh37 (hg19) VCF-style: chr17-41246442-T-TGA.
Other names: c.1105_1106insTC, p.Asp369fs (NM_001407652.1, NM_001407854.1, NM_001407858.1 and 30 more transcripts); c.1027_1028insTC, p.Asp343fs (NM_001407653.1, NM_001407654.1, NM_001407655.1 and 4 more transcripts); c.1024_1025insTC, p.Asp342fs (NM_001407659.1, NM_001407660.1, NM_001407661.1 and 1 more transcripts); c.979_980insTC, p.Asp327fs (NM_001407670.1, NM_001407671.1, NM_001407672.1 and 11 more transcripts); c.982_983insTC, p.Asp328fs (NM_001407674.1, NM_001407675.1, NM_001407676.1 and 19 more transcripts); c.964_965insTC, p.Asp322fs (NM_001407692.1, NM_001407694.1, NM_001407695.1 and 29 more transcripts); c.961_962insTC, p.Asp321fs (NM_001407740.1, NM_001407741.1, NM_001407838.1 and 20 more transcripts); c.1102_1103insTC, p.Asp368fs (NM_001407860.1, NM_001407861.1, NM_001407587.1 and 22 more transcripts); and 40 more; short protein forms D322fs, D369fs, D201fs, D298fs, D301fs, D321fs, D327fs, D343fs.
Identifiers: ClinVar variation 231841 (VCV000231841.8), dbSNP rs876659396, ClinGen allele CA10580680.

ClinVar aggregate classification (germline): Pathogenic. Review status: criteria provided, multiple submitters, no conflicts (2 of 4 stars). 2 submissions from 2 submitters: Pathogenic (2). Last evaluated 2026-04-14.

Conditions:
Inherited breast cancer and ovarian cancer.
Hereditary cancer-predisposing syndrome. Also called: Hereditary neoplastic syndrome; Neoplastic Syndromes, Hereditary; Tumor predisposition; Hereditary Cancer Syndrome. Identifiers: Orphanet 140162, MedGen C0027672, MeSH D009386, MONDO:0015356.

Submissions (2):

Genomics and Molecular Medicine Service, East Genomic Laboratory Hub, NHS Genomic Medicine Service
Classification: Pathogenic for Inherited breast cancer and ovarian cancer. Last evaluated: 2026-04-14. Review status: criteria provided, single submitter. Criteria: ACGS Best Practice Guidelines for Variant Classification in Rare Disease 2020. Collection method: clinical testing. Allele origin: germline. Affected: yes.
Comment: PVS1,PM2,PM5_Strong

Ambry Genetics
Classification: Pathogenic for Hereditary cancer-predisposing syndrome. Last evaluated: 2025-07-28. Review status: criteria provided, single submitter. Criteria: Ambry Variant Classification Scheme 2023. Collection method: clinical testing. Allele origin: germline.
Comment: The c.1105_1106insTC pathogenic mutation, located in coding exon 9 of the BRCA1 gene, results from an insertion of two nucleotides at position 1105, causing a translational frameshift with a predicted alternate stop codon (p.D369Vfs*6). This variant is considered to be rare based on population cohorts in the Genome Aggregation Database (gnomAD). This alteration is expected to result in loss of function by premature protein truncation or nonsense-mediated mRNA decay. As such, this alteration is interpreted as a disease-causing mutation.